The following is an entry in ClinVar:

ClinVar aggregate classification (germline): Pathogenic. Review status: criteria provided, multiple submitters, no conflicts (2 of 4 stars). 6 submissions from 6 submitters: Pathogenic (5). 1 of the submissions does not count toward it. Last evaluated 2025-04-17.

Conditions:
Sjögren-Larsson syndrome (SLS). Also called: FALDH DEFICIENCY; FATTY ALCOHOL:NAD+ OXIDOREDUCTASE DEFICIENCY; FATTY ALDEHYDE DEHYDROGENASE DEFICIENCY; ICHTHYOSIS, SPASTIC NEUROLOGIC DISORDER, AND OLIGOPHRENIA. Identifiers: Orphanet 816, MedGen C0037231, MONDO:0010031, OMIM 270200.

Submissions (6):

Natera, Inc.
Classification: Pathogenic for Sjögren-Larsson syndrome. Last evaluated: 2025-04-17. Review status: criteria provided, single submitter. Criteria: Natera Variant Classification Schema (03/2026). Collection method: clinical testing. Allele origin: germline.
Comment: The c.1291_1292delAA variant in ALDH3A2 is a frameshift variant predicted to shift the reading frame beginning at codon 431 and leads to a stop codon 5 codons downstream. This variant is expected to result in nonsense mediated decay, truncation, or a dysfunctional protein product. This variant is rare in the general population with a frequency below the threshold expected for the associated phenotype(s). This variant has been observed in one or more individuals affected with the associated recessive disease, as either homozygous or compound heterozygous with a second variant (PMID: 30157790). Given the available evidence, this variant is classified as Pathogenic.

Fulgent Genetics
Classification: Pathogenic for Sjögren-Larsson syndrome. Last evaluated: 2024-03-05. Review status: criteria provided, single submitter. Criteria: ACMG Guidelines, 2015. Collection method: clinical testing. Allele origin: germline.

Labcorp Genetics (formerly Invitae), Labcorp
Classification: Pathogenic. Last evaluated: 2023-08-16. Review status: criteria provided, single submitter. Criteria: Invitae Variant Classification Sherloc (09022015). Collection method: clinical testing. Allele origin: germline.
Comment: For these reasons, this variant has been classified as Pathogenic. Algorithms developed to predict the effect of sequence changes on RNA splicing suggest that this variant may disrupt the consensus splice site. ClinVar contains an entry for this variant (Variation ID: 495850). This premature translational stop signal has been observed in individual(s) with Sjogren-Larsson syndrome (PMID: 10577908, 30157790). This variant is present in population databases (rs781059624, gnomAD 0.006%). This sequence change creates a premature translational stop signal (p.Lys431Glufs*5) in the ALDH3A2 gene. It is expected to result in an absent or disrupted protein product. Loss-of-function variants in ALDH3A2 are known to be pathogenic (PMID: 10577908, 10854114).

Laboratory for Molecular Medicine, Mass General Brigham Personalized Medicine
Classification: Pathogenic for SjÃ¶gren-Larsson syndrome. Last evaluated: 2018-09-21. Review status: criteria provided, single submitter. Criteria: LMM Criteria. Collection method: clinical testing. Allele origin: germline. Observed: 1 variant allele.
Comment: The p.Lys431GlufsX5 variant in ALDH3A2 has been reported in the homozygous or co mpound heterozygous state in 2 Japanese individuals with Sjogren-Larsson syndrom e and segregated with disease in 1 affected family member (Rizzo 1999, Takeichi 2013 ). It has also been identified in 1/17248 of East Asian chromosomes by gnom AD. This variant has also been reported in Cl inVar (Variation ID 495850). This variant is predicted to cause a frameshift, which alters the protein's amino acid sequence beginning at position 431 and leads to a premature termination codon 5 amino acids downstream. This alteration is then predicted to lead to a truncated or absent protein. Loss of function of the ALDH3A2 gene is an established disease mechanism in Sjogren-Larsson syndrome. In summary, this variant meets criteria to be classified as pathogenic for autosomal recessive Sjogren-Larsson syndrome based on case observations, segregation studies, and predicted impact on protein. ACMG/AMP Criteria applied: PVS1, PM2, PM 3, PP1.

Women's Health and Genetics/Laboratory Corporation of America, LabCorp
Classification: Pathogenic for Sjögren-Larsson syndrome. Last evaluated: 2016-08-08. Review status: criteria provided, single submitter. Criteria: LabCorp Variant Classification Summary - May 2015. Collection method: clinical testing. Allele origin: germline.
Comment: Variant summary: The ALDH3A2 c.1291_1292delAA (p.Lys431Glufs) variant results in a premature termination codon, predicted to cause a truncated or absent ALDH3A2 protein due to nonsense mediated decay, which are commonly known mechanisms for disease. One in silico tool predicts a damaging outcome for this variant. This variant was found in 1/121534 control chromosomes at a frequency of 0.0000082, which does not exceed the estimated maximal expected allele frequency of a pathogenic ALDH3A2 variant (0.0017889). This variant has been reported in multiple SLS pts as homozygote or compound heterozygotes. Taken together, this variant is classified as pathogenic.

Department of Rehabilitation Medicine, Incheon St. Mary’s Hospital, College of Medicine, The Catholic University of Korea
Classification: Pathogenic for Sjögren-Larsson syndrome. Last evaluated: 2019-02-11. Review status: no assertion criteria provided. Collection method: research. Allele origin: unknown. Inheritance: Autosomal recessive inheritance. Affected: yes. Observed: 1 compound heterozygote. Not counted in ClinVar's aggregate classification.

Literature cited by the submitters: PubMed 30157790 (cited by Natera, Inc. and Labcorp Genetics (formerly Invitae), Labcorp); PubMed 10577908 (cited by 3 submitters); PubMed 10854114 (cited by Labcorp Genetics (formerly Invitae), Labcorp); PubMed 23450279 (cited by Laboratory for Molecular Medicine, Mass General Brigham Personalized Medicine and Women's Health and Genetics/Laboratory Corporation of America, LabCorp).

NM_000382.3(ALDH3A2):c.1291_1292del (p.Lys431fs)

Gene: ALDH3A2 (aldehyde dehydrogenase 3 family member A2; plus strand). Cytogenetic location: 17p11.2.
Variant type: Deletion.
Coding change: c.1291_1292del on transcript NM_000382.3 (MANE Select); coding-DNA positions 1291 to 1292, 2 bases deleted (AA; older notation c.1291_1292delAA).
Protein change: p.Lys431fs; shifts the reading frame from lysine 431.
Molecular consequence: frameshift variant. On other transcripts: intron variant (1).
Genome position (GRCh38, 1-based): chr17:19,671,804-19,671,805, AA deleted; deleting any 2 consecutive bases within chr17:19,671,803-19,671,805 gives the same sequence; the c. name uses the placement nearest the transcript's 3' end. VCF-style (leftmost placement, unchanged base first): chr17-19671802-TAA-T. GRCh37 (hg19) VCF-style: chr17-19575115-TAA-T.
Other names: c.1291_1292del, p.Lys431fs (NM_001031806.2, NM_001369136.1, NM_001369137.2 and 2 more transcripts); c.712_713del, p.Lys238fs (NM_001369148.2); c.1208-3754_1208-3753del (NM_001369146.2); short protein forms K238fs, K431fs.
Identifiers: ClinVar variation 495850 (VCV000495850.13), dbSNP rs781059624, ClinGen allele CA8443060.